The following is an entry in ClinVar:

ClinVar aggregate classification (germline): Pathogenic (1 of 4 stars; one submission).

Submission:

ISCA Site 6
Classification: Pathogenic. Last evaluated: 2011-08-12. Review status: criteria provided, single submitter. Criteria: Kaminsky et al. (Genet Med. 2011). Collection method: clinical testing. Allele origin: de novo. Affected: yes. Observed: 1 variant allele.
Comment: Copy number variation identified through the course of routine clinical cytogenomic testing in postnatal populations. Clinical assertions have been curated as described in Kaminsky et al. 2011.

GRCh38/hg38 17q12(chr17:36493974-37890225)x1

Genes: MIR2909 (microRNA 2909; plus strand), MIR378J (microRNA 378j; minus strand), MRM1 (mitochondrial rRNA methyltransferase 1; plus strand), MYO19 (myosin XIX; minus strand), PIGW (phosphatidylinositol glycan anchor biosynthesis class W; plus strand) and 30 more. Cytogenetic location: 17q12.
Variant type: copy number loss.
Change: copy number 1 (one copy instead of two) of chr17:36,493,974-37,890,225 (1.40 Mb, GRCh38 coordinates, 1-based), cytogenetic band 17q12.
Identifiers: ClinVar variation 60473 (VCV000060473.2).